The following is an entry in ClinVar:

ClinVar aggregate classification (germline): Pathogenic (1 of 4 stars; one submission).

Conditions:
Ehlers-Danlos syndrome, type 4 (EDSVASC). Also called: Ehlers-Danlos syndrome vascular type; Ehlers Danlos syndrome, ecchymotic type; Ehlers Danlos syndrome, arterial type; Ehlers Danlos syndrome, Sack-Barabas type; Ehlers-Danlos Syndrome Type IV. Identifiers: Orphanet 286, MedGen C0268338, MONDO:0017314, OMIM 130050.

Submission:

Labcorp Genetics (formerly Invitae), Labcorp
Classification: Pathogenic for Ehlers-Danlos syndrome, type 4. Last evaluated: 2023-06-04. Review status: criteria provided, single submitter. Criteria: Invitae Variant Classification Sherloc (09022015). Collection method: clinical testing. Allele origin: germline.
Comment: For these reasons, this variant has been classified as Pathogenic. This variant has not been reported in the literature in individuals affected with COL3A1-related conditions. This variant is not present in population databases (gnomAD no frequency). This sequence change creates a premature translational stop signal (p.Glu1009*) in the COL3A1 gene. It is expected to result in an absent or disrupted protein product. Loss-of-function variants in COL3A1 are known to be pathogenic (PMID: 24922459).

Literature cited by the submitters: PubMed 24922459.

NM_000090.4(COL3A1):c.3025G>T (p.Glu1009Ter)

Gene: COL3A1 (collagen type III alpha 1 chain; plus strand). Cytogenetic location: 2q32.2.
Variant type: single nucleotide variant.
Coding change: c.3025G>T on transcript NM_000090.4 (MANE Select); coding-DNA position 3025, G replaced by T.
Protein change: p.Glu1009Ter; replaces glutamic acid 1009 with a stop codon.
Molecular consequence: nonsense.
Genome position (GRCh38, 1-based): chr2:189,005,443, G>T. VCF-style: chr2-189005443-G-T. GRCh37 (hg19) VCF-style: chr2-189870169-G-T.
Other names: short protein forms E1009*.
Identifiers: ClinVar variation 2849596 (VCV002849596.3), dbSNP rs1468768980, ClinGen allele CA349844849.